The following is an entry in ClinVar:

ClinVar aggregate classification (germline): Likely pathogenic (1 of 4 stars; one submission).

Conditions:
Cardiovascular phenotype. Identifiers: MedGen CN230736.

Submission:

Ambry Genetics
Classification: Likely pathogenic for Cardiovascular phenotype. Last evaluated: 2025-02-05. Review status: criteria provided, single submitter. Criteria: Ambry Variant Classification Scheme 2023. Collection method: clinical testing. Allele origin: germline.
Comment: The c.64157dupG pathogenic mutation, located in coding exon 163 of the TTN gene, results from a duplication of G at nucleotide position 64157, causing a translational frameshift with a predicted alternate stop codon (p.S21387Qfs*2). This exon is located in the A-band region of the N2-B isoform of the titin protein and is constitutively expressed in TTN transcripts (percent spliced in or PSI 100%). This variant is considered to be rare based on population cohorts in the Genome Aggregation Database (gnomAD). This variant is expected to result in loss of function by premature protein truncation or nonsense-mediated mRNA decay. While truncating variants in TTN are present in 1-3% of the general population, truncating variants in the A-band are the most common cause of dilated cardiomyopathy (Herman DS et al. N. Engl. J. Med., 2012 Feb;366:619-28; Roberts AM et al. Sci Transl Med, 2015 Jan;7:270ra6). TTN truncating variants encoded in constitutive exons (PSI >90%) have been found to be significantly associated with DCM regardless of their position in titin (Schafer S et al. Nat. Genet., 2017 01;49:46-53; Akhtar MM et al. Circ Heart Fail, 2020 Oct;13:e006832; Massier M et al. Clin Genet, 2025 Jan). Based on the majority of available evidence to date, this variant is likely to be pathogenic.

NM_001267550.2(TTN):c.91352dup (p.Ser30452fs)

Genes: TTN (titin; minus strand), TTN-AS1 (TTN antisense RNA 1; plus strand). Cytogenetic location: 2q31.2.
Variant type: Duplication.
Coding change: c.91352dup on transcript NM_001267550.2 (MANE Select); coding-DNA position 91352, one base duplicated (G; older notation c.91352dupG).
Protein change: p.Ser30452fs; shifts the reading frame from serine 30452.
Molecular consequence: frameshift variant.
Genome position (GRCh38, 1-based): chr2:178,551,179, C duplicated on the plus strand (G on the coding strand, the reverse complement: TTN is on the minus strand); the first of 2 consecutive C bases (chr2:178,551,179-178,551,180); duplicating either gives the same sequence. VCF-style (leftmost placement, unchanged base first): chr2-178551178-G-GC. GRCh37 (hg19) VCF-style: chr2-179415905-G-GC.
Other names: c.86429dup, p.Ser28811fs (NM_001256850.1); c.64157dup, p.Ser21387fs (NM_003319.4); c.83648dup, p.Ser27884fs (NM_133378.4); c.64532dup, p.Ser21512fs (NM_133432.3); c.64733dup, p.Ser21579fs (NM_133437.4); c.64157dupG (NM_003319.4); short protein forms S27884fs, S21387fs, S21579fs, S28811fs, S21512fs, S30452fs.
Identifiers: ClinVar variation 1753406 (VCV001753406.3), dbSNP rs2469239373, ClinGen allele CA2580064751.